The following is an entry in ClinVar:

ClinVar aggregate classification (germline): Conflicting classifications of pathogenicity. Review status: criteria provided, conflicting classifications (1 of 4 stars). 5 submissions from 5 submitters: Uncertain significance (4); Likely benign (1). Last evaluated 2026-09-11.

Conditions:
Dilated Cardiomyopathy, Dominant.
Hypertrophic cardiomyopathy 26. Also called: Cardiomyopathy, familial hypertrophic, 26. Identifiers: Orphanet 75249, MedGen C4310749, MONDO:0014883, OMIM 617047.
Distal myopathy with posterior leg and anterior hand involvement. Also called: WILLIAMS DISTAL MYOPATHY. Identifiers: Orphanet 63273, MedGen C3279722, MONDO:0013550, OMIM 614065.
Myofibrillar myopathy 5. Also called: Filaminopathy (type); FILAMINOPATHY, AUTOSOMAL DOMINANT. Identifiers: Orphanet 171445, MedGen C1836050, MONDO:0012289, OMIM 609524.
FLNC-related disorder. Also called: FLNC-related disorders; FLNC-related condition.
Cardiovascular phenotype. Identifiers: MedGen CN230736.

Allele frequency attached by ClinVar (database versions not stated): gnomAD exomes 0.00003 and 0.00002; ExAC 0.00004; gnomAD 0.00004; TOPMed 0.00001.
gnomAD v4.1: 32 of 1,613,348 alleles (0.002%); highest among the groups gnomAD compares: Non-Finnish European, 0.0023%; no homozygotes.

Submissions (5):

PreventionGenetics, part of Exact Sciences
Classification: Uncertain significance for FLNC-related condition. Last evaluated: 2026-09-11. Review status: criteria provided, single submitter. Criteria: ACMG Guidelines, 2015. Collection method: clinical testing. Allele origin: germline.
Comment: The FLNC c.6157G>A variant is predicted to result in the amino acid substitution p.Glu2053Lys. To our knowledge, this variant has not been reported in the literature. This variant is reported in 0.0055% of alleles in individuals of European (Non-Finnish) descent in gnomAD. At this time, the clinical significance of this variant is uncertain due to the absence of conclusive functional and genetic evidence.

Ambry Genetics
Classification: Uncertain significance for Cardiovascular phenotype. Last evaluated: 2025-08-28. Review status: criteria provided, single submitter. Criteria: Ambry Variant Classification Scheme 2023. Collection method: clinical testing. Allele origin: germline.
Comment: The p.E2053K variant (also known as c.6157G>A), located in coding exon 37 of the FLNC gene, results from a G to A substitution at nucleotide position 6157. The glutamic acid at codon 2053 is replaced by lysine, an amino acid with similar properties. This amino acid position is conserved. In addition, this alteration is predicted to be deleterious by in silico analysis. Based on the available evidence, the clinical significance of this variant remains unclear.

Labcorp Genetics (formerly Invitae), Labcorp
Classification: Uncertain significance for Distal myopathy with posterior leg and anterior hand involvement; Myofibrillar myopathy 5; Hypertrophic cardiomyopathy 26. Last evaluated: 2024-03-29. Review status: criteria provided, single submitter. Criteria: Invitae Variant Classification Sherloc (09022015). Collection method: clinical testing. Allele origin: germline.
Comment: This sequence change replaces glutamic acid, which is acidic and polar, with lysine, which is basic and polar, at codon 2053 of the FLNC protein (p.Glu2053Lys). This variant is present in population databases (rs761922251, gnomAD 0.006%). This variant has not been reported in the literature in individuals affected with FLNC-related conditions. ClinVar contains an entry for this variant (Variation ID: 1306938). Advanced modeling of protein sequence and biophysical properties (such as structural, functional, and spatial information, amino acid conservation, physicochemical variation, residue mobility, and thermodynamic stability) has been performed at Invitae for this missense variant, however the output from this modeling did not meet the statistical confidence thresholds required to predict the impact of this variant on FLNC protein function. In summary, the available evidence is currently insufficient to determine the role of this variant in disease. Therefore, it has been classified as a Variant of Uncertain Significance.

Blueprint Genetics
Classification: Likely benign. Last evaluated: 2023-11-27. Review status: criteria provided, single submitter. Criteria: ACMG Guidelines, 2015. Collection method: clinical testing. Allele origin: germline.

GeneDx
Classification: Uncertain significance. Last evaluated: 2019-07-09. Review status: criteria provided, single submitter. Criteria: GeneDx Variant Classification Process June 2021. Collection method: clinical testing. Allele origin: germline. Affected: yes.
Comment: Has not been previously published as pathogenic or benign to our knowledge; In silico analysis, which includes protein predictors and evolutionary conservation, supports a deleterious effect

NM_001458.5(FLNC):c.6157G>A (p.Glu2053Lys)

Genes: FLNC-AS1 (FLNC antisense RNA 1; minus strand), FLNC (filamin C; plus strand). Cytogenetic location: 7q32.1.
Variant type: single nucleotide variant.
Coding change: c.6157G>A on transcript NM_001458.5 (MANE Select); coding-DNA position 6157, G replaced by A.
Protein change: p.Glu2053Lys; replaces glutamic acid 2053 with lysine.
Molecular consequence: missense variant.
Genome position (GRCh38, 1-based): chr7:128,852,980, G>A. VCF-style: chr7-128852980-G-A. GRCh37 (hg19) VCF-style: chr7-128493034-G-A.
Other names: c.6058G>A, p.Glu2020Lys (NM_001127487.2); short protein forms E2020K, E2053K.
Identifiers: ClinVar variation 1306938 (VCV001306938.9), dbSNP rs761922251, ClinGen allele CA4475898.